The following is an entry in ClinVar:

NM_003737.4(DCHS1):c.4702G>A (p.Val1568Ile)

Gene: DCHS1 (dachsous cadherin-related 1; minus strand). Cytogenetic location: 11p15.4.
Variant type: single nucleotide variant.
Coding change: c.4702G>A on transcript NM_003737.4 (MANE Select); coding-DNA position 4702, G replaced by A.
Protein change: p.Val1568Ile; replaces valine 1568 with isoleucine.
Molecular consequence: missense variant.
Genome position (GRCh38, 1-based): chr11:6,630,092, C>T on the plus strand (G>A on the coding strand, the complement: DCHS1 is on the minus strand). VCF-style: chr11-6630092-C-T. GRCh37 (hg19) VCF-style: chr11-6651323-C-T.
Other names: short protein forms V1568I.
Identifiers: ClinVar variation 2095006 (VCV002095006.4), dbSNP rs2493823472, ClinGen allele CA379400362.

ClinVar aggregate classification (germline): Uncertain significance (1 of 4 stars; one submission).

Submission:

Labcorp Genetics (formerly Invitae), Labcorp
Classification: Uncertain significance. Last evaluated: 2022-03-04. Review status: criteria provided, single submitter. Criteria: Invitae Variant Classification Sherloc (09022015). Collection method: clinical testing. Allele origin: germline.
Comment: This sequence change replaces valine, which is neutral and non-polar, with isoleucine, which is neutral and non-polar, at codon 1568 of the DCHS1 protein (p.Val1568Ile). This variant is not present in population databases (gnomAD no frequency). This variant has not been reported in the literature in individuals affected with DCHS1-related conditions. Advanced modeling of protein sequence and biophysical properties (such as structural, functional, and spatial information, amino acid conservation, physicochemical variation, residue mobility, and thermodynamic stability) performed at Invitae indicates that this missense variant is not expected to disrupt DCHS1 protein function. In summary, the available evidence is currently insufficient to determine the role of this variant in disease. Therefore, it has been classified as a Variant of Uncertain Significance.